The following is an entry in ClinVar:

ClinVar aggregate classification (germline): Uncertain significance (1 of 4 stars; one submission).

Conditions:
Osteogenesis imperfecta type 8 (OI8). Identifiers: MedGen C1970458, MONDO:0012581, OMIM 610915.

Allele frequency attached by ClinVar (database versions not stated): gnomAD 0.00001.
gnomAD v4.1: 12 of 1,612,530 alleles (0.00074%); highest among the groups gnomAD compares: East Asian, 0.0067%; no homozygotes.

Submission:

Labcorp Genetics (formerly Invitae), Labcorp
Classification: Uncertain significance for Osteogenesis imperfecta type 8. Last evaluated: 2022-03-10. Review status: criteria provided, single submitter. Criteria: Invitae Variant Classification Sherloc (09022015). Collection method: clinical testing. Allele origin: germline.
Comment: This sequence change replaces proline, which is neutral and non-polar, with leucine, which is neutral and non-polar, at codon 390 of the P3H1 protein (p.Pro390Leu). This variant is present in population databases (rs777550875, gnomAD 0.02%). This variant has not been reported in the literature in individuals affected with P3H1-related conditions. Algorithms developed to predict the effect of missense changes on protein structure and function are either unavailable or do not agree on the potential impact of this missense change (SIFT: "Deleterious"; PolyPhen-2: "Benign"; Align-GVGD: "Class C0"). In summary, the available evidence is currently insufficient to determine the role of this variant in disease. Therefore, it has been classified as a Variant of Uncertain Significance.

NM_022356.4(P3H1):c.1169C>T (p.Pro390Leu)

Gene: P3H1 (prolyl 3-hydroxylase 1; minus strand). Cytogenetic location: 1p34.2.
Variant type: single nucleotide variant.
Coding change: c.1169C>T on transcript NM_022356.4 (MANE Select); coding-DNA position 1169, C replaced by T.
Protein change: p.Pro390Leu; replaces proline 390 with leucine.
Molecular consequence: missense variant.
Genome position (GRCh38, 1-based): chr1:42,755,549, G>A on the plus strand (C>T on the coding strand, the complement: P3H1 is on the minus strand). VCF-style: chr1-42755549-G-A. GRCh37 (hg19) VCF-style: chr1-43221220-G-A.
Other names: c.1169C>T, p.Pro390Leu (NM_001146289.2, NM_001243246.2); short protein forms P390L.
Identifiers: ClinVar variation 2046908 (VCV002046908.1), dbSNP rs777550875, ClinGen allele CA801954.